The following is an entry in ClinVar:

NM_032638.5(GATA2):c.335A>G (p.His112Arg)

Gene: GATA2 (GATA binding protein 2; minus strand). Cytogenetic location: 3q21.3.
Variant type: single nucleotide variant.
Coding change: c.335A>G on transcript NM_032638.5 (MANE Select); coding-DNA position 335, A replaced by G.
Protein change: p.His112Arg; replaces histidine 112 with arginine.
Molecular consequence: missense variant.
Genome position (GRCh38, 1-based): chr3:128,486,263, T>C on the plus strand (A>G on the coding strand, the complement: GATA2 is on the minus strand). VCF-style: chr3-128486263-T-C. GRCh37 (hg19) VCF-style: chr3-128205106-T-C.
Other names: c.335A>G, p.His112Arg (NM_001145661.2, NM_001145662.1); c.335A>G (NM_032638.4); short protein forms H112R.
Identifiers: ClinVar variation 1404830 (VCV001404830.10), dbSNP rs2107672812, ClinGen allele CA354407275.

ClinVar aggregate classification (germline): Uncertain significance. Review status: criteria provided, multiple submitters, no conflicts (2 of 4 stars). 3 submissions from 3 submitters: Uncertain significance (3). Last evaluated 2025-12-28.

Conditions:
Inborn genetic diseases. Identifiers: MedGen C0950123, MeSH D030342.
Deafness-lymphedema-leukemia syndrome. Also called: Lymphedema, primary, with myelodysplasia; Emberger syndrome. Identifiers: Orphanet 3226, MedGen C3279664, MONDO:0013540, OMIM 614038.
Monocytopenia with susceptibility to infections. Also called: MONOCYTOPENIA AND MYCOBACTERIAL INFECTION SYNDROME; MONOCYTOPENIA WITH SUSCEPTIBILITY TO MYCOBACTERIAL, FUNGAL, AND PAPILLOMAVIRUS INFECTIONS AND MYELODYSPLASIA; COMBINED IMMUNODEFICIENCY WITH SUSCEPTIBILITY TO MYCOBACTERIAL, VIRAL, AND FUNGAL INFECTIONS; Dendritic cell, monocyte, B lymphocyte, and natural killer lymphocyte deficiency; IMMUNODEFICIENCY 21; GATA2 DEFICIENCY. Identifiers: Orphanet 228423, MedGen C3280030, MONDO:0013607, OMIM 614172.

Submissions (3):

Clinical Genomics Laboratory, Washington University in St. Louis
Classification: Uncertain significance for Deafness-lymphedema-leukemia syndrome; Monocytopenia with susceptibility to infections. Last evaluated: 2025-12-28. Review status: criteria provided, single submitter. Criteria: ACMG Guidelines, 2015. Collection method: clinical testing. Allele origin: germline.
Comment: A GATA2 c.335A>G (p.His112Arg) variant was identified at a near heterozygous allelic fraction of 48%, a frequency which may be consistent with it being of germline origin. This variant, to our knowledge, has not been reported in the medical literature or in the ClinVar database. It is absent from the general population (gnomAD v4.1.0), indicating it is not a common variant. Computational predictors indicate that the variant is damaging, evidence that correlates with impact to GATA2 function. Due to limited information, and based on ACMG/AMP guidelines for variant interpretation (Richards S et al., PMID: 25741868), the clinical significance of this variant is uncertain at this time.

Ambry Genetics
Classification: Uncertain significance for Inborn genetic diseases. Last evaluated: 2025-03-12. Review status: criteria provided, single submitter. Criteria: Ambry Variant Classification Scheme 2023. Collection method: clinical testing. Allele origin: germline.
Comment: The p.H112R variant (also known as c.335A>G), located in coding exon 2 of the GATA2 gene, results from an A to G substitution at nucleotide position 335. The histidine at codon 112 is replaced by arginine, an amino acid with highly similar properties. This amino acid position is conserved. In addition, this alteration is predicted to be deleterious by in silico analysis. Based on the available evidence, the clinical significance of this variant remains unclear.

Labcorp Genetics (formerly Invitae), Labcorp
Classification: Uncertain significance for Monocytopenia with susceptibility to infections; Deafness-lymphedema-leukemia syndrome. Last evaluated: 2021-07-09. Review status: criteria provided, single submitter. Criteria: Invitae Variant Classification Sherloc (09022015). Collection method: clinical testing. Allele origin: germline.
Comment: This sequence change replaces histidine with arginine at codon 112 of the GATA2 protein (p.His112Arg). The histidine residue is moderately conserved and there is a small physicochemical difference between histidine and arginine. This variant is not present in population databases (ExAC no frequency). This variant has not been reported in the literature in individuals affected with GATA2-related conditions. Advanced modeling of protein sequence and biophysical properties (such as structural, functional, and spatial information, amino acid conservation, physicochemical variation, residue mobility, and thermodynamic stability) performed at Invitae indicates that this missense variant is not expected to disrupt GATA2 protein function. In summary, the available evidence is currently insufficient to determine the role of this variant in disease. Therefore, it has been classified as a Variant of Uncertain Significance.

Literature cited by the submitters: uncertain (cited by Clinical Genomics Laboratory, Washington University in St. Louis).